The following is an entry in ClinVar:

NM_139058.3(ARX):c.409del (p.Glu137fs)

Genes: ARX (aristaless related homeobox; minus strand), LOC109610631 (aristaless related homeobox polyalanine expansion region; plus strand). Cytogenetic location: Xp21.3.
Variant type: Deletion.
Coding change: c.409del on transcript NM_139058.3 (MANE Select); coding-DNA position 409, one base deleted (G; older notation c.409delG).
Protein change: p.Glu137fs; shifts the reading frame from glutamic acid 137.
Molecular consequence: frameshift variant.
Genome position (GRCh38, 1-based): chrX:25,013,586, C deleted on the plus strand (G on the coding strand, the reverse complement: ARX is on the minus strand); the first of 4 consecutive C bases (chrX:25,013,586-25,013,589); deleting any one gives the same sequence. VCF-style (leftmost placement, unchanged base first): chrX-25013585-TC-T. GRCh37 (hg19) VCF-style: chrX-25031702-TC-T.
Other names: short protein forms E137fs.
Identifiers: ClinVar variation 2921880 (VCV002921880.3), dbSNP rs797045298, ClinGen allele CA2740092071.

ClinVar aggregate classification (germline): Pathogenic (1 of 4 stars; one submission).

Conditions:
Developmental and epileptic encephalopathy, 1 (DEE1). Also called: X-linked infantile spasms; West's syndrome; Tonic spasms with clustering, arrest of psychomotor development and hypsarrhythmia on EEG; X-Linked Infantile Spasm Syndrome; OHTAHARA SYNDROME, X-LINKED; INFANTILE SPASM SYNDROME, X-LINKED 1. Identifiers: MedGen C3463992, MONDO:0010632, OMIM 308350. Disease mechanism: loss of function.
Intellectual disability, X-linked, with or without seizures, ARX-related. Also called: INTELLECTUAL DEVELOPMENTAL DISORDER, X-LINKED 29; MENTAL RETARDATION, X-LINKED 29; MENTAL RETARDATION, X-LINKED 32; MENTAL RETARDATION, X-LINKED 33; MENTAL RETARDATION, X-LINKED 38; MENTAL RETARDATION, X-LINKED 43. Identifiers: Orphanet 777, MedGen C0796244, MONDO:0010317, OMIM 300419.

Submission:

Labcorp Genetics (formerly Invitae), Labcorp
Classification: Pathogenic for Developmental and epileptic encephalopathy, 1; Intellectual disability, X-linked, with or without seizures, ARX-related. Last evaluated: 2024-01-10. Review status: criteria provided, single submitter. Criteria: Invitae Variant Classification Sherloc (09022015). Collection method: clinical testing. Allele origin: germline.
Comment: This sequence change creates a premature translational stop signal (p.Glu137Asnfs*31) in the ARX gene. It is expected to result in an absent or disrupted protein product. Loss-of-function variants in ARX are known to be pathogenic (PMID: 19439424, 19738637). The frequency data for this variant in the population databases is considered unreliable, as metrics indicate insufficient coverage at this position in the gnomAD database. This variant has not been reported in the literature in individuals affected with ARX-related conditions. For these reasons, this variant has been classified as Pathogenic.

Literature cited by the submitters: PubMed 19439424; PubMed 19738637.